The following is an entry in ClinVar:

NM_000552.5(VWF):c.5097C>T (p.Ser1699=)

Gene: VWF (von Willebrand factor; minus strand). Cytogenetic location: 12p13.31.
Variant type: single nucleotide variant.
Coding change: c.5097C>T on transcript NM_000552.5 (MANE Select); coding-DNA position 5097, C replaced by T.
Protein change: p.Ser1699=; no amino-acid change (serine 1699 retained).
Molecular consequence: synonymous variant.
Genome position (GRCh38, 1-based): chr12:6,016,827, G>A on the plus strand (C>T on the coding strand, the complement: VWF is on the minus strand). VCF-style: chr12-6016827-G-A. GRCh37 (hg19) VCF-style: chr12-6125993-G-A.
Identifiers: ClinVar variation 3239442 (VCV003239442.19), dbSNP rs1481373031.

ClinVar aggregate classification (germline): Likely benign (1 of 4 stars; one submission).

Allele frequency attached by ClinVar (database versions not stated): gnomAD exomes below 0.00001; TOPMed below 0.00001.
gnomAD v4.1: 1 of 1,614,104 alleles (0.000062%); highest among the groups gnomAD compares: East Asian, 0.0022%; no homozygotes.

Submission:

CeGaT Center for Human Genetics Tuebingen
Classification: Likely benign. Last evaluated: 2024-05-01. Review status: criteria provided, single submitter. Criteria: CeGaT Center For Human Genetics Tuebingen Variant Classification Criteria Version 2. Collection method: clinical testing. Allele origin: germline. Affected: yes. Observed: 1 variant allele.
Comment: VWF: BP4, BP7